The following is an entry in ClinVar:

ClinVar aggregate classification (germline): Benign (1 of 4 stars; one submission).

Allele frequency attached by ClinVar (database versions not stated): gnomAD 0.27213 and 0.27926; 1000 Genomes Project 0.65296.
gnomAD v4.1: 34,156 of 375,806 alleles (9.1%); highest among the groups gnomAD compares: South Asian, 13%; 2,008 homozygotes.

Submission:

GeneDx
Classification: Benign. Last evaluated: 2018-06-14. Review status: criteria provided, single submitter. Criteria: GeneDx Variant Classification (06012015). Collection method: clinical testing. Allele origin: germline. Affected: yes.
Comment: This variant is considered likely benign or benign based on one or more of the following criteria: it is a conservative change, it occurs at a poorly conserved position in the protein, it is predicted to be benign by multiple in silico algorithms, and/or has population frequency not consistent with disease.

NM_000744.7(CHRNA4):c.384-201T>C

Gene: CHRNA4 (cholinergic receptor nicotinic alpha 4 subunit; minus strand). Cytogenetic location: 20q13.33.
Variant type: single nucleotide variant.
Coding change: c.384-201T>C on transcript NM_000744.7 (MANE Select); 201 bases into the intron before coding-DNA position 384, T replaced by C.
Molecular consequence: intron variant.
Genome position (GRCh38, 1-based): chr20:63,351,228, A>G on the plus strand (T>C on the coding strand, the complement: CHRNA4 is on the minus strand). VCF-style: chr20-63351228-A-G. GRCh37 (hg19) VCF-style: chr20-61982580-A-G.
Other names: c.-145-201T>C (NM_001256573.2).
Identifiers: ClinVar variation 679902 (VCV000679902.1), dbSNP rs59145036, ClinGen allele CA317437006.